The following is an entry in ClinVar:

NM_000204.5(CFI):c.353A>G (p.His118Arg)

Gene: CFI (complement factor I; minus strand). Cytogenetic location: 4q25.
Variant type: single nucleotide variant.
Coding change: c.353A>G on transcript NM_000204.5 (MANE Select); coding-DNA position 353, A replaced by G.
Protein change: p.His118Arg; replaces histidine 118 with arginine.
Molecular consequence: missense variant. On other transcripts: non-coding transcript variant (3), intron variant (1).
Genome position (GRCh38, 1-based): chr4:109,764,666, T>C on the plus strand (A>G on the coding strand, the complement: CFI is on the minus strand). VCF-style: chr4-109764666-T-C. GRCh37 (hg19) VCF-style: chr4-110685822-T-C.
Other names: c.353A>G, p.His118Arg (NM_001318057.2, NM_001331035.2, NM_001375278.1 and 10 more transcripts); c.-127-2974A>G (NM_001375284.1); short protein forms H118R.
Identifiers: ClinVar variation 4280492 (VCV004280492.2).
Genomic context (GRCh38, chr4:109,764,666, plus strand): 5'-ATTGTCTTATCTTGGTCCACAAGTTTTACTTCAACTATTCCCTCTGAATCTGTATTTCCA[T>C]GCTTCAAGGAAACACTAAACTTTCCTAAAATAAAAAAACAAAATAATGTGCAATATGTAG-3'
Protein context (NP_000195.3, residues 108-128): AEGKFSVSLK[His118Arg]GNTDSEGIVE

ClinVar aggregate classification (germline): Conflicting classifications of pathogenicity. Review status: criteria provided, conflicting classifications (1 of 4 stars). 2 submissions from 2 submitters: Likely pathogenic (1); Uncertain significance (1). Last evaluated 2025-09-26.

Conditions:
Atypical hemolytic-uremic syndrome. Identifiers: Orphanet 2134, MedGen C2931788, MONDO:0016244.

gnomAD v4.1: 1 of 1,614,052 alleles (0.000062%); highest among the groups gnomAD compares: Non-Finnish European, 0.000085%; no homozygotes.

Submissions (2):

Genomenon, Inc
Classification: Likely pathogenic for Atypical hemolytic-uremic syndrome. Last evaluated: 2025-09-26. Review status: criteria provided, single submitter. Criteria: Genomenon Sequence Variant Interpretation Standards - Updated. Collection method: curation. Allele origin: germline. Affected: yes.
Comment: CFI p.His118Arg (c.353A>G) is a missense variant that changes the amino acid at residue 118 from Histidine to Arginine. This variant has been observed in at least one proband affected with atypical hemolytic-uremic syndrome (PMID:20016463;32510551). At least one functional study has demonstrated a substantial alteration in protein function relative to the wild-type (PMID:32510551). It is absent or not present at a significant frequency in gnomAD. In conclusion, we classify CFI p.His118Arg (c.353A>G) as a likely pathogenic variant.

Labcorp Genetics (formerly Invitae), Labcorp
Classification: Uncertain significance. Last evaluated: 2025-08-25. Review status: criteria provided, single submitter. Criteria: Invitae Variant Classification Sherloc (09022015). Collection method: clinical testing. Allele origin: germline.
Comment: This sequence change replaces histidine, which is basic and polar, with arginine, which is basic and polar, at codon 118 of the CFI protein (p.His118Arg). This variant is not present in population databases (gnomAD no frequency). This missense change has been observed in individual(s) with atypical hemolytic uremic syndrome (PMID: 23431077, 32510551). Invitae Evidence Modeling of protein sequence and biophysical properties (such as structural, functional, and spatial information, amino acid conservation, physicochemical variation, residue mobility, and thermodynamic stability) indicates that this missense variant is not expected to disrupt CFI protein function with a negative predictive value of 95%. Studies have shown that this missense change alters CFI gene expression (PMID: 32510551). In summary, the available evidence is currently insufficient to determine the role of this variant in disease. Therefore, it has been classified as a Variant of Uncertain Significance.

Literature cited by the submitters: PubMed 20016463 (cited by Genomenon, Inc); 32510551 (cited by Genomenon, Inc); PubMed 23431077 (cited by Labcorp Genetics (formerly Invitae), Labcorp); PubMed 32510551 (cited by Labcorp Genetics (formerly Invitae), Labcorp).